The following is an entry in ClinVar:

NM_000384.3(APOB):c.3554A>C (p.Asp1185Ala)

Gene: APOB (apolipoprotein B; minus strand). Cytogenetic location: 2p24.1.
Variant type: single nucleotide variant.
Coding change: c.3554A>C on transcript NM_000384.3 (MANE Select); coding-DNA position 3554, A replaced by C.
Protein change: p.Asp1185Ala; replaces aspartic acid 1185 with alanine.
Molecular consequence: missense variant.
Genome position (GRCh38, 1-based): chr2:21,015,215, T>G on the plus strand (A>C on the coding strand, the complement: APOB is on the minus strand). VCF-style: chr2-21015215-T-G. GRCh37 (hg19) VCF-style: chr2-21238087-T-G.
Other names: short protein forms D1185A.
Identifiers: ClinVar variation 2451339 (VCV002451339.2), dbSNP rs2465387290, ClinGen allele CA346008814.

ClinVar aggregate classification (germline): Uncertain significance (1 of 4 stars; one submission).

Conditions:
Cardiovascular phenotype. Identifiers: MedGen CN230736.

Submission:

Ambry Genetics
Classification: Uncertain significance for Cardiovascular phenotype. Last evaluated: 2023-02-27. Review status: criteria provided, single submitter. Criteria: Ambry Variant Classification Scheme 2023. Collection method: clinical testing. Allele origin: germline.
Comment: The p.D1185A variant (also known as c.3554A>C), located in coding exon 23 of the APOB gene, results from an A to C substitution at nucleotide position 3554. The aspartic acid at codon 1185 is replaced by alanine, an amino acid with dissimilar properties. This amino acid position is conserved. In addition, this alteration is predicted to be tolerated by in silico analysis. Since supporting evidence is limited at this time, the clinical significance of this alteration remains unclear.